The following is an entry in ClinVar:

NM_013447.4(ADGRE2):c.1385G>C (p.Ser462Thr)

Gene: ADGRE2 (adhesion G protein-coupled receptor E2; minus strand). Cytogenetic location: 19p13.12.
Variant type: single nucleotide variant.
Coding change: c.1385G>C on transcript NM_013447.4 (MANE Select); coding-DNA position 1385, G replaced by C.
Protein change: p.Ser462Thr; replaces serine 462 with threonine.
Molecular consequence: missense variant.
Genome position (GRCh38, 1-based): chr19:14,755,685, C>G on the plus strand (G>C on the coding strand, the complement: ADGRE2 is on the minus strand). VCF-style: chr19-14755685-C-G. GRCh37 (hg19) VCF-style: chr19-14866497-C-G.
Other names: c.1385G>C, p.Ser462Thr (NM_001271052.1); c.1238G>C, p.Ser413Thr (NM_152916.2); c.1106G>C, p.Ser369Thr (NM_152917.2); short protein forms S413T, S462T, S369T.
Identifiers: ClinVar variation 2971524 (VCV002971524.3), dbSNP rs367571896, ClinGen allele CA9257732.

ClinVar aggregate classification (germline): Uncertain significance (1 of 4 stars; one submission).

Allele frequency attached by ClinVar (database versions not stated): ExAC 0.00001; ESP Exome Variant Server 0.00008.
gnomAD v4.1: 17 of 1,614,202 alleles (0.0011%); highest among the groups gnomAD compares: Non-Finnish European, 0.0014%; no homozygotes.

Submission:

Labcorp Genetics (formerly Invitae), Labcorp
Classification: Uncertain significance. Last evaluated: 2023-07-22. Review status: criteria provided, single submitter. Criteria: Invitae Variant Classification Sherloc (09022015). Collection method: clinical testing. Allele origin: germline.
Comment: This sequence change replaces serine, which is neutral and polar, with threonine, which is neutral and polar, at codon 462 of the ADGRE2 protein (p.Ser462Thr). This variant is present in population databases (rs367571896, gnomAD 0.0009%). This variant has not been reported in the literature in individuals affected with ADGRE2-related conditions. An algorithm developed to predict the effect of missense changes on protein structure and function (PolyPhen-2) suggests that this variant is likely to be tolerated. In summary, the available evidence is currently insufficient to determine the role of this variant in disease. Therefore, it has been classified as a Variant of Uncertain Significance.